The following is an entry in ClinVar:

NM_001035.3(RYR2):c.704G>A (p.Arg235Lys)

Gene: RYR2 (ryanodine receptor 2; plus strand). Cytogenetic location: 1q43.
Variant type: single nucleotide variant.
Coding change: c.704G>A on transcript NM_001035.3 (MANE Select); coding-DNA position 704, G replaced by A.
Protein change: p.Arg235Lys; replaces arginine 235 with lysine.
Molecular consequence: missense variant.
Genome position (GRCh38, 1-based): chr1:237,388,114, G>A. VCF-style: chr1-237388114-G-A. GRCh37 (hg19) VCF-style: chr1-237551414-G-A.
Other names: p.R235K:AGG>AAG; c.704G>A, p.Arg235Lys (LRG_402t1); short protein forms R235K.
Identifiers: ClinVar variation 201198 (VCV000201198.3), dbSNP rs794728711, ClinGen allele CA010499.

ClinVar aggregate classification (germline): Uncertain significance (1 of 4 stars; one submission).

Submission:

GeneDx
Classification: Uncertain significance. Last evaluated: 2023-11-15. Review status: criteria provided, single submitter. Criteria: GeneDx Variant Classification Process June 2021. Collection method: clinical testing. Allele origin: germline. Affected: yes.
Comment: Not observed at significant frequency in large population cohorts (gnomAD); In silico analysis supports that this missense variant does not alter protein structure/function; Has not been previously published as pathogenic or benign to our knowledge; Located in one of the three hot-spot regions of the RYR2 gene, where the majority of pathogenic missense variants occur (PMID: 19926015); This variant is associated with the following publications: (PMID: 19926015)